The following is an entry in ClinVar:

ClinVar aggregate classification (germline): Uncertain significance (1 of 4 stars; one submission).

Submission:

Dasa
Classification: Uncertain significance. Last evaluated: 2025-04-30. Review status: criteria provided, single submitter. Criteria: DASA Assertion Criteria. Collection method: clinical testing. Allele origin: germline.
Comment: NM_001130021.3(ATP6V0A1):c.806A>G (p.Gln269Arg) is a missense variant that results in the substitution of glutamine with arginine. This variant is rare in population databases. The currently available literature and clinical evidence are not sufficient to establish a definitive association between this variant and the reported condition. Therefore, this variant is classified as a variant of uncertain significance.

NM_001130021.3(ATP6V0A1):c.806A>G (p.Gln269Arg)

Gene: ATP6V0A1 (ATPase H+ transporting V0 subunit a1; plus strand). Cytogenetic location: 17q21.2.
Variant type: single nucleotide variant.
Coding change: c.806A>G on transcript NM_001130021.3 (MANE Select); coding-DNA position 806, A replaced by G.
Protein change: p.Gln269Arg; replaces glutamine 269 with arginine.
Molecular consequence: missense variant.
Genome position (GRCh38, 1-based): chr17:42,483,127, A>G. VCF-style: chr17-42483127-A-G. GRCh37 (hg19) VCF-style: chr17-40635145-A-G.
Other names: c.827A>G, p.Gln276Arg (NM_001130020.3, NM_001378522.1, NM_001378523.1 and 3 more transcripts); c.929A>G, p.Gln310Arg (NM_001378530.1, NM_001378533.1, NM_001378551.1 and 1 more transcripts); c.950A>G, p.Gln317Arg (NM_001378531.1, NM_001378532.1); c.806A>G, p.Gln269Arg (NM_001378535.1, NM_001378537.1, NM_001378542.1 and 6 more transcripts); c.698A>G, p.Gln233Arg (NM_001378536.1, NM_001378550.1, NM_001378556.1); c.677A>G, p.Gln226Arg (NM_001378538.1, NM_001378540.1); c.647A>G, p.Gln216Arg (NM_001378543.1); c.596A>G, p.Gln199Arg (NM_001378545.1, NM_001378554.1); and 1 more; short protein forms Q199R, Q209R, Q216R, Q226R, Q233R, Q269R, Q276R, Q310R.
Identifiers: ClinVar variation 4883307 (VCV004883307.2).
Genomic context (GRCh38, chr17:42,483,127, plus strand): 5'-AGACACCACAGGAGAGGAAGGAAATGGCTTCTGGAGTGAATACCAGGATTGATGATCTCC[A>G]AATGGTATGCAGAAGGCTGGAGGGAATTTGTTTTTGTGAAATACTGGAATACGAGACCAT-3'
Protein context (NP_001123493.1, residues 259-279): SGVNTRIDDL[Gln269Arg]MVLNQTEDHR